The following is an entry in ClinVar:

ClinVar aggregate classification (germline): Uncertain significance (1 of 4 stars; one submission).

Conditions:
Pheochromocytoma. Also called: MAX-Related Hereditary Paraganglioma-Pheochromocytoma Syndrome. Identifiers: Orphanet 29072, MedGen C0031511, MONDO:0008233, OMIM 171300, HP:0002666.
Carney-Stratakis syndrome. Also called: PARAGANGLIOMA AND GASTROINTESTINAL STROMAL TUMOR. Identifiers: Orphanet 97286, MedGen C1847319, MONDO:0011740, OMIM 606864.
Paragangliomas with sensorineural hearing loss. Identifiers: MedGen C1868633.
Cowden syndrome 3 (CWS3). Identifiers: Orphanet 201, MedGen CN166604, MONDO:0014045.

Submission:

Labcorp Genetics (formerly Invitae), Labcorp
Classification: Uncertain significance for Carney-Stratakis syndrome; Paragangliomas with sensorineural hearing loss; Pheochromocytoma; Cowden syndrome 3. Last evaluated: 2024-07-31. Review status: criteria provided, single submitter. Criteria: Invitae Variant Classification Sherloc (09022015). Collection method: clinical testing. Allele origin: germline.
Comment: This variant, c.285_296del, results in the deletion of 4 amino acid(s) of the SDHD protein (p.Ala96_Leu99del), but otherwise preserves the integrity of the reading frame. This variant is not present in population databases (gnomAD no frequency). This variant has not been reported in the literature in individuals affected with SDHD-related conditions. Experimental studies and prediction algorithms are not available or were not evaluated, and the functional significance of this variant is currently unknown. In summary, the available evidence is currently insufficient to determine the role of this variant in disease. Therefore, it has been classified as a Variant of Uncertain Significance.

NM_003002.4(SDHD):c.285_296del (p.Ala96_Leu99del)

Gene: SDHD (succinate dehydrogenase complex subunit D; plus strand). Cytogenetic location: 11q23.1.
Variant type: Deletion.
Coding change: c.285_296del on transcript NM_003002.4 (MANE Select); coding-DNA positions 285 to 296, 12 bases deleted (GGCTGCAGCCCT).
Protein change: p.Ala96_Leu99del.
Molecular consequence: inframe deletion. On other transcripts: non-coding transcript variant (1), intron variant (1).
Genome position (GRCh38, 1-based): chr11:112,088,982-112,088,993, GGCTGCAGCCCT deleted; deleting any 12 consecutive bases within chr11:112,088,978-112,088,993 gives the same sequence; the c. name uses the placement nearest the transcript's 3' end. VCF-style (leftmost placement, unchanged base first): chr11-112088977-TCCCTGGCTGCAG-T. GRCh37 (hg19) VCF-style: chr11-111959701-TCCCTGGCTGCAG-T.
Other names: c.168_179del, p.Ala57_Leu60del (NM_001276504.2); c.285_296del, p.Ala96_Leu99del (NM_001276506.2); c.169+1009_169+1020del (NM_001276503.2).
Identifiers: ClinVar variation 3757483 (VCV003757483.2).